The following is an entry in ClinVar:

NM_019842.4(KCNQ5):c.1014C>G (p.Phe338Leu)

Gene: KCNQ5 (potassium voltage-gated channel subfamily Q member 5; plus strand). Cytogenetic location: 6q13.
Variant type: single nucleotide variant.
Coding change: c.1014C>G on transcript NM_019842.4 (MANE Select); coding-DNA position 1014, C replaced by G.
Protein change: p.Phe338Leu; replaces phenylalanine 338 with leucine.
Molecular consequence: missense variant.
Genome position (GRCh38, 1-based): chr6:73,105,352, C>G. VCF-style: chr6-73105352-C-G. GRCh37 (hg19) VCF-style: chr6-73815075-C-G.
Other names: c.1014C>G, p.Phe338Leu (NM_001160130.2, NM_001160132.2, NM_001160133.2 and 1 more transcripts); short protein forms F338L.
Identifiers: ClinVar variation 4056523 (VCV004056523.1).
Genomic context (GRCh38, chr6:73,105,352, plus strand): 5'-TCCCCTAACTTGGCTGGGAAGATTGCTTTCTGCAGGCTTTGCACTCCTTGGCATTTCTTT[C>G]TTTGCACTTCCTGCCGTGAGTATCTTTGCACCAATAAAGCAGTTTAAATTAGATCTTAGA-3'
Protein context (NP_062816.2, residues 328-348): SAGFALLGIS[Phe338Leu]FALPAGILGS

ClinVar aggregate classification (germline): Uncertain significance (1 of 4 stars; one submission).

Conditions:
Intellectual developmental disorder, autosomal dominant 46. Also called: MENTAL RETARDATION, AUTOSOMAL DOMINANT 46; Intellectual disability, autosomal dominant 46. Identifiers: MedGen C4539851, MONDO:0030911, OMIM 617601.

Submission:

Laboratorio de Genetica e Diagnostico Molecular, Hospital Israelita Albert Einstein
Classification: Uncertain significance for Intellectual developmental disorder, autosomal dominant 46. Last evaluated: 2024-04-12. Review status: criteria provided, single submitter. Criteria: ACMG Guidelines, 2015. Collection method: clinical testing. Allele origin: germline. Affected: yes.
Comment: ACMG classification criteria: PM2 supporting, PP2 supporting, PP3 supporting